The following is an entry in ClinVar:

ClinVar aggregate classification (germline): Uncertain significance. Review status: criteria provided, multiple submitters, no conflicts (2 of 4 stars). 2 submissions from 2 submitters: Uncertain significance (2). Last evaluated 2026-08-16.

Conditions:
Cardiovascular phenotype. Identifiers: MedGen CN230736.
Myofibrillar myopathy 4. Also called: Zaspopathy (type). Identifiers: Orphanet 98912, MedGen C4721886, MONDO:0012277, OMIM 609452.

Submissions (2):

Ambry Genetics
Classification: Uncertain significance for Cardiovascular phenotype. Last evaluated: 2026-08-16. Review status: criteria provided, single submitter. Criteria: Ambry Variant Classification Scheme 2023. Collection method: clinical testing. Allele origin: germline.
Comment: The p.S272F variant (also known as c.815C>T), located in coding exon 5 of the LDB3 gene, results from a C to T substitution at nucleotide position 815. The serine at codon 272 is replaced by phenylalanine, an amino acid with highly dissimilar properties. This amino acid position is conserved. In addition, this alteration is predicted to be deleterious by in silico analysis. Based on the available evidence, the clinical significance of this variant remains unclear.

Labcorp Genetics (formerly Invitae), Labcorp
Classification: Uncertain significance for Myofibrillar myopathy 4. Last evaluated: 2024-12-19. Review status: criteria provided, single submitter. Criteria: Invitae Variant Classification Sherloc (09022015). Collection method: clinical testing. Allele origin: germline.
Comment: This sequence change replaces serine, which is neutral and polar, with phenylalanine, which is neutral and non-polar, at codon 225 of the LDB3 protein (p.Ser225Phe). This variant is not present in population databases (gnomAD no frequency). This variant has not been reported in the literature in individuals affected with LDB3-related conditions. ClinVar contains an entry for this variant (Variation ID: 2973466). An algorithm developed to predict the effect of missense changes on protein structure and function (PolyPhen-2) suggests that this variant is likely to be disruptive. In summary, the available evidence is currently insufficient to determine the role of this variant in disease. Therefore, it has been classified as a Variant of Uncertain Significance.

NM_007078.3(LDB3):c.815C>T (p.Ser272Phe)

Gene: LDB3 (LIM domain binding 3; plus strand). Cytogenetic location: 10q23.2.
Variant type: single nucleotide variant.
Coding change: c.815C>T on transcript NM_007078.3 (MANE Select); coding-DNA position 815, C replaced by T.
Protein change: p.Ser272Phe; replaces serine 272 with phenylalanine.
Molecular consequence: missense variant.
Genome position (GRCh38, 1-based): chr10:86,692,021, C>T. VCF-style: chr10-86692021-C-T. GRCh37 (hg19) VCF-style: chr10-88451778-C-T.
Other names: c.674C>T, p.Ser225Phe (NM_001080114.2, NM_001080116.1, NM_001368066.1 and 2 more transcripts); c.815C>T, p.Ser272Phe (NM_001080115.2, NM_001368063.1, NM_001368064.1 and 1 more transcripts); c.1019C>T, p.Ser340Phe (NM_001171610.2, NM_001171611.2); short protein forms S225F, S272F, S340F.
Identifiers: ClinVar variation 2973466 (VCV002973466.4), dbSNP rs2492678373, ClinGen allele CA377443298.